The following is an entry in ClinVar:

ClinVar aggregate classification (germline): Uncertain significance. Review status: criteria provided, multiple submitters, no conflicts (2 of 4 stars). 2 submissions from 2 submitters: Uncertain significance (2). Last evaluated 2025-10-23.

Conditions:
Episodic ataxia type 2 (EA2). Also called: ATAXIA, EPISODIC, WITH NYSTAGMUS; ATAXIA, FAMILIAL PAROXYSMAL; CEREBELLAR ATAXIA, PAROXYSMAL, ACETAZOLAMIDE-RESPONSIVE; CEREBELLOPATHY, HEREDITARY PAROXYSMAL; EPISODIC ATAXIA, NYSTAGMUS-ASSOCIATED; ACETAZOLAMIDE-RESPONSIVE HEREDITARY PAROXYSMAL CEREBELLAR ATAXIA. Identifiers: Orphanet 97, MedGen C1720416, MONDO:0007163, OMIM 108500.
Developmental and epileptic encephalopathy, 42 (DEE42A). Also called: DEVELOPMENTAL AND EPILEPTIC ENCEPHALOPATHY 42A; EPILEPTIC ENCEPHALOPATHY, EARLY INFANTILE, 42A; Epileptic encephalopathy, early infantile, 42. Identifiers: MedGen C4310716, MONDO:0014917, OMIM 617106.

Allele frequency attached by ClinVar (database versions not stated): gnomAD exomes below 0.00001; TOPMed below 0.00001.

Submissions (2):

Labcorp Genetics (formerly Invitae), Labcorp
Classification: Uncertain significance for Developmental and epileptic encephalopathy, 42; Episodic ataxia type 2. Last evaluated: 2025-10-23. Review status: criteria provided, single submitter. Criteria: Invitae Variant Classification Sherloc (09022015). Collection method: clinical testing. Allele origin: germline.
Comment: This sequence change replaces arginine, which is basic and polar, with glutamine, which is neutral and polar, at codon 810 of the CACNA1A protein (p.Arg810Gln). This variant is not present in population databases (gnomAD no frequency). This variant has not been reported in the literature in individuals affected with CACNA1A-related conditions. ClinVar contains an entry for this variant (Variation ID: 1214724). Invitae Evidence Modeling of protein sequence and biophysical properties (such as structural, functional, and spatial information, amino acid conservation, physicochemical variation, residue mobility, and thermodynamic stability) indicates that this missense variant is not expected to disrupt CACNA1A protein function with a negative predictive value of 95%. In summary, the available evidence is currently insufficient to determine the role of this variant in disease. Therefore, it has been classified as a Variant of Uncertain Significance.

GeneDx
Classification: Uncertain significance. Last evaluated: 2019-08-09. Review status: criteria provided, single submitter. Criteria: GeneDx Variant Classification Process June 2021. Collection method: clinical testing. Allele origin: germline. Affected: yes.
Comment: Not observed in large population cohorts (Lek et al., 2016); In silico analysis, which includes protein predictors and evolutionary conservation, supports that this variant does not alter protein structure/function; Has not been previously published as pathogenic or benign to our knowledge

NM_001127222.2(CACNA1A):c.2426G>A (p.Arg809Gln)

Gene: CACNA1A (calcium voltage-gated channel subunit alpha1 A; minus strand). Cytogenetic location: 19p13.13.
Variant type: single nucleotide variant.
Coding change: c.2426G>A on transcript NM_001127222.2 (MANE Select); coding-DNA position 2426, G replaced by A.
Protein change: p.Arg809Gln; replaces arginine 809 with glutamine.
Molecular consequence: missense variant.
Genome position (GRCh38, 1-based): chr19:13,299,207, C>T on the plus strand (G>A on the coding strand, the complement: CACNA1A is on the minus strand). VCF-style: chr19-13299207-C-T. GRCh37 (hg19) VCF-style: chr19-13410021-C-T.
Other names: c.2438G>A, p.Arg813Gln (NM_000068.4, NM_023035.3); c.2429G>A, p.Arg810Gln (NM_001127221.2, NM_001174080.2); short protein forms R809Q, R810Q, R813Q.
Identifiers: ClinVar variation 1214724 (VCV001214724.9), dbSNP rs2057737782, ClinGen allele CA404343478.